The following is an entry in ClinVar:

NM_000616.5(CD4):c.711G>A (p.Glu237=)

Gene: CD4 (CD4 molecule; plus strand). Cytogenetic location: 12p13.31.
Variant type: single nucleotide variant.
Coding change: c.711G>A on transcript NM_000616.5 (MANE Select); coding-DNA position 711, G replaced by A.
Protein change: p.Glu237=; no amino-acid change (glutamic acid 237 retained).
Molecular consequence: synonymous variant. On other transcripts: 5 prime UTR variant (3).
Genome position (GRCh38, 1-based): chr12:6,816,159, G>A. VCF-style: chr12-6816159-G-A. GRCh37 (hg19) VCF-style: chr12-6925325-G-A.
Other names: c.174G>A, p.Glu58= (NM_001195014.3); c.-109G>A (NM_001195015.3, NM_001195016.3, NM_001195017.3).
Identifiers: ClinVar variation 742540 (VCV000742540.29), dbSNP rs28919569, ClinGen allele CA6415891.
Genomic context (GRCh38, chr12:6,816,159, plus strand): 5'-ACAGGTGGAGTTCTCCTTCCCACTCGCCTTTACAGTTGAAAAGCTGACGGGCAGTGGCGA[G>A]CTGTGGTGGCAGGCGGAGAGGGCTTCCTCCTCCAAGTCTTGGATCACCTTTGACCTGAAG-3'
Protein context (NP_000607.1, residues 227-247): FTVEKLTGSG[Glu237=]LWWQAERASS

ClinVar aggregate classification (germline): Benign/Likely benign. Review status: criteria provided, multiple submitters, no conflicts (2 of 4 stars). 4 submissions from 4 submitters: Benign (1); Likely benign (2). 1 of the submissions does not count toward it. Last evaluated 2024-11-19.

Conditions:
CD4-related disorder. Also called: CD4-related condition.

Allele frequency attached by ClinVar (database versions not stated): gnomAD exomes 0.00037 and 0.00049; 1000 Genomes Project 30x 0.00047; ExAC 0.00059; 1000 Genomes Project 0.00060; gnomAD 0.00145 and 0.00157; ESP Exome Variant Server 0.00177; TOPMed 0.00188.
gnomAD v4.1: 758 of 1,614,204 alleles (0.047%); highest among the groups gnomAD compares: African/African-American, 0.42%; no homozygotes.

Submissions (4):

Blueprint Genetics
Classification: Likely benign. Last evaluated: 2024-11-19. Review status: criteria provided, single submitter. Criteria: ACMG Guidelines, 2015. Collection method: clinical testing. Allele origin: germline.

CeGaT Center for Human Genetics Tuebingen
Classification: Likely benign. Last evaluated: 2022-11-01. Review status: criteria provided, single submitter. Criteria: CeGaT Center For Human Genetics Tuebingen Variant Classification Criteria Version 2. Collection method: clinical testing. Allele origin: germline. Affected: yes. Observed: 1 variant allele.
Comment: CD4: BP4, BP7

Labcorp Genetics (formerly Invitae), Labcorp
Classification: Benign. Last evaluated: 2018-07-06. Review status: criteria provided, single submitter. Criteria: Invitae Variant Classification Sherloc (09022015). Collection method: clinical testing. Allele origin: germline.

PreventionGenetics, part of Exact Sciences
Classification: Likely benign for CD4-related condition. Last evaluated: 2023-09-12. Review status: no assertion criteria provided. Collection method: clinical testing. Allele origin: germline. Not counted in ClinVar's aggregate classification.
Comment: This variant is classified as likely benign based on ACMG/AMP sequence variant interpretation guidelines (Richards et al. 2015 PMID: 25741868, with internal and published modifications).